The following is an entry in ClinVar:

ClinVar aggregate classification (germline): Uncertain significance (1 of 4 stars; one submission).

Conditions:
TRPV4-related disorder. Also called: TRPV4-related disorders; TRPV4-related condition.

Submission:

PreventionGenetics, part of Exact Sciences
Classification: Uncertain significance for TRPV4-related condition. Last evaluated: 2025-12-02. Review status: criteria provided, single submitter. Criteria: ACMG Guidelines, 2015. Collection method: clinical testing. Allele origin: germline.
Comment: The TRPV4 c.877G>T variant is predicted to result in the amino acid substitution p.Ala293Ser. To our knowledge, this variant has not been reported in the literature or in a large population database (gnomAD), indicating this variant is rare. At this time, the clinical significance of this variant is uncertain due to the absence of conclusive functional and genetic evidence.

NM_021625.5(TRPV4):c.877G>T (p.Ala293Ser)

Gene: TRPV4 (transient receptor potential cation channel subfamily V member 4; minus strand). Cytogenetic location: 12q24.11.
Variant type: single nucleotide variant.
Coding change: c.877G>T on transcript NM_021625.5 (MANE Select); coding-DNA position 877, G replaced by T.
Protein change: p.Ala293Ser; replaces alanine 293 with serine.
Molecular consequence: missense variant.
Genome position (GRCh38, 1-based): chr12:109,798,889, C>A on the plus strand (G>T on the coding strand, the complement: TRPV4 is on the minus strand). VCF-style: chr12-109798889-C-A. GRCh37 (hg19) VCF-style: chr12-110236694-C-A.
Other names: c.736G>T, p.Ala246Ser (NM_001177428.2, NM_001177433.2); c.775G>T, p.Ala259Ser (NM_001177431.2); c.877G>T, p.Ala293Ser (NM_147204.3); short protein forms A246S, A259S, A293S.
Identifiers: ClinVar variation 4994430 (VCV004994430.1).
Genomic context (GRCh38, chr12:109,798,889, plus strand): 5'-CCGCCTTCTTGTGGGGGTTCTCCGTCAGGTAGTTGACAATGTGGGGCTGGTTGGTGCAGG[C>A]AGCCAGCGACAGGGGCAGCTCCCCTGCGGGCCAGGGTGAAGGGTGGGAGGTCAGCGAAGG-3'
Protein context (NP_067638.3, residues 283-303): YFGELPLSLA[Ala293Ser]CTNQPHIVNY